The following is an entry in ClinVar:

ClinVar aggregate classification (germline): Uncertain significance (1 of 4 stars; one submission).

Conditions:
Medium-chain acyl-coenzyme A dehydrogenase deficiency (ACADMD). Also called: CARNITINE DEFICIENCY SECONDARY TO MEDIUM-CHAIN ACYL-CoA DEHYDROGENASE DEFICIENCY; MCADH DEFICIENCY; Medium chain acyl-CoA dehydrogenase deficiency; MCADD; ACADM DEFICIENCY; MCAD Deficiency. Identifiers: Orphanet 42, MedGen C0220710, MONDO:0008721, OMIM 201450.

Submission:

Myriad Genetics, Inc.
Classification: Uncertain significance for Medium-chain acyl-coenzyme A dehydrogenase deficiency. Last evaluated: 2026-06-11. Review status: criteria provided, single submitter. Criteria: Myriad Autosomal Dominant, Autosomal Recessive and X-Linked Classification Criteria (2023). Collection method: clinical testing. Allele origin: unknown.
Comment: NM_000016.4(ACADM):c.*1_*6del6ins15 is a 3' non-coding variant classified as a variant of uncertain significance in the context of medium-chain acyl-CoA dehydrogenase deficiency. c.*1_*6del6ins15 has not been observed in cases with relevant disease. Relevant functional assessments of this variant are not available in the literature. c.*1_*6del6ins15 has not been observed in referenced population frequency databases. In summary, there is insufficient evidence to classify NM_000016.4(ACADM):c.*1_*6del6ins15 as pathogenic or benign. Please note: this variant was assessed in the context of healthy population screening.

NM_000016.6(ACADM):c.*1_*6delinsTTACTTTTTTTTTTG

Gene: ACADM (acyl-CoA dehydrogenase medium chain; plus strand). Cytogenetic location: 1p31.1.
Variant type: Indel.
Coding change: c.*1_*6delinsTTACTTTTTTTTTTG on transcript NM_000016.6 (MANE Select); 1 bases downstream of the stop codon through 6 bases downstream of the stop codon, AAAAAT replaced by TTACTTTTTTTTTTG.
Molecular consequence: 3 prime UTR variant.
Genome position (GRCh38, 1-based): chr1:75,762,764-75,762,769, AAAAAT replaced by TTACTTTTTTTTTTG. VCF-style: chr1-75762764-AAAAAT-TTACTTTTTTTTTTG. GRCh37 (hg19) VCF-style: chr1-76228449-AAAAAT-TTACTTTTTTTTTTG.
Other names: c.*1_*6delinsTTACTTTTTTTTTTG (NM_001127328.3, NM_001286042.2, NM_001286043.2 and 1 more transcripts).
Identifiers: ClinVar variation 5004725 (VCV005004725.1).